The following is an entry in ClinVar:

ClinVar aggregate classification (germline): Uncertain significance (1 of 4 stars; one submission).

Conditions:
Holoprosencephaly 3 (HPE3). Identifiers: Orphanet 2162, MedGen C1840529, MONDO:0007733, OMIM 142945.

Submission:

Labcorp Genetics (formerly Invitae), Labcorp
Classification: Uncertain significance for Holoprosencephaly 3. Last evaluated: 2022-08-19. Review status: criteria provided, single submitter. Criteria: Invitae Variant Classification Sherloc (09022015). Collection method: clinical testing. Allele origin: germline.
Comment: This variant occurs in a non-coding region of the SHH gene. It does not change the encoded amino acid sequence of the SHH protein. In summary, the available evidence is currently insufficient to determine the role of this variant in disease. Therefore, it has been classified as a Variant of Uncertain Significance. Experimental studies and prediction algorithms are not available or were not evaluated, and the effect of this variant on mRNA splicing is currently unknown. This variant has not been reported in the literature in individuals affected with SHH-related conditions. This variant is not present in population databases (gnomAD no frequency).

NC_000007.14:g.156795938G>C

Genes: LMBR1 (limb development membrane protein 1; minus strand), SHH (sonic hedgehog signaling molecule; minus strand). Cytogenetic location: 7q36.3.
Variant type: single nucleotide variant.
Molecular consequence: intron variant (on NM_022458.4).
Genome position: GRCh38 VCF-style: chr7-156795938-G-C. GRCh37 (hg19) VCF-style: chr7-156588632-G-C.
Other names: c.360+451C>G (NM_001363412.2); c.144+451C>G (NM_001350954.2); c.423+451C>G (NM_001363410.2, NM_022458.4, NM_001363409.2 and 1 more transcripts); c.-112+451C>G (NM_001350958.2, NM_001350956.2, NM_001350955.2 and 1 more transcripts); c.54+451C>G (NM_001350957.2, NM_001363411.2).
Identifiers: ClinVar variation 2024751 (VCV002024751.4), dbSNP rs2536193222, ClinGen allele CA2580077758.
Genomic context (GRCh38, chr7:156,795,938, plus strand): 5'-TAAGAATACATCATGATTTTTTAAATTCCAATGCATAAAAGCCAGTTTTCTTAATGTCAG[G>C]TTTGACTGCCAGAGTCATTCATTCTGATCCTGGTATATTTACTAAATGTGAAATCAGCTG-3'